The following is an entry in ClinVar:

ClinVar aggregate classification (germline): Benign. Review status: criteria provided, single submitter (1 of 4 stars). 2 submissions from 2 submitters: Benign (1). 1 of the submissions does not count toward it. Last evaluated 2025-09-01.

Conditions:
KCNQ1-related disorder. Also called: KCNQ1-related condition; KCNQ1-related disorders. Identifiers: MedGen CN239322.

Allele frequency attached by ClinVar (database versions not stated): 1000 Genomes Project 30x 0.00078; 1000 Genomes Project 0.00080; gnomAD 0.00238; TOPMed 0.00259.
gnomAD v4.1: 1,053 of 398,354 alleles (0.26%); highest among the groups gnomAD compares: Non-Finnish European, 0.4%; 2 homozygotes.

Submissions (2):

CeGaT Center for Human Genetics Tuebingen
Classification: Benign. Last evaluated: 2025-09-01. Review status: criteria provided, single submitter. Criteria: CeGaT Center For Human Genetics Tuebingen Variant Classification Criteria Version 2. Collection method: clinical testing. Allele origin: germline. Affected: yes. Observed: 12 variant alleles.
Comment: KCNQ1OT1: BS1, BS2

PreventionGenetics, part of Exact Sciences
Classification: Likely benign for KCNQ1-related condition. Last evaluated: 2022-07-27. Review status: no assertion criteria provided. Collection method: clinical testing. Allele origin: germline. Not counted in ClinVar's aggregate classification.
Comment: This variant is classified as likely benign based on ACMG/AMP sequence variant interpretation guidelines (Richards et al. 2015 PMID: 25741868, with internal and published modifications).

NM_000218.3(KCNQ1):c.1394-20753C>T

Genes: KCNQ1 (potassium voltage-gated channel subfamily Q member 1; plus strand), KCNQ1OT1 (KCNQ1 opposite strand/antisense transcript 1; minus strand). Cytogenetic location: 11p15.5.
Variant type: single nucleotide variant.
Coding change: c.1394-20753C>T on transcript NM_000218.3 (MANE Select); 20753 bases into the intron before coding-DNA position 1394, C replaced by T.
Molecular consequence: intron variant.
Genome position (GRCh38, 1-based): chr11:2,641,208, C>T. VCF-style: chr11-2641208-C-T. GRCh37 (hg19) VCF-style: chr11-2662438-C-T.
Other names: c.1394-20753C>T (NM_000218.2); c.1124-20753C>T (NM_001406837.1); c.1298-20753C>T (NM_001406836.1); c.854-20753C>T (NM_001406838.1); c.1013-20753C>T (NM_181798.2).
Identifiers: ClinVar variation 2570787 (VCV002570787.28), dbSNP rs144855882, ClinGen allele CA216154573.
Genomic context (GRCh38, chr11:2,641,208, plus strand): 5'-TAGTATACTGATATCTTTTCCTTTAGATAAATATCCAGTAGTGAGATTGCTGGATTATGT[C>T]ATATTTCTCTTTTTAGGTTTTTCAGAAATCAAACTGTTTTCTATAGTATTAATTTACATT-3'